The following is an entry in ClinVar:

ClinVar aggregate classification (germline): Likely benign (0 of 4 stars; one submission).

Conditions:
PKD1-related disorder. Also called: PKD1-related condition.

gnomAD v4.1: 74 of 1,575,496 alleles (0.0047%); highest among the groups gnomAD compares: Admixed American, 0.073%; no homozygotes.

Submission:

PreventionGenetics, part of Exact Sciences
Classification: Likely benign for PKD1-related condition. Last evaluated: 2024-05-16. Review status: no assertion criteria provided. Collection method: clinical testing. Allele origin: germline.
Comment: This variant is classified as likely benign based on ACMG/AMP sequence variant interpretation guidelines (Richards et al. 2015 PMID: 25741868, with internal and published modifications).

NM_001009944.3(PKD1):c.11269+8G>C

Genes: PKD1 (polycystin 1, transient receptor potential channel interacting; minus strand), PKD1-AS1 (PKD1 antisense RNA 1; plus strand). Cytogenetic location: 16p13.3.
Variant type: single nucleotide variant.
Coding change: c.11269+8G>C on transcript NM_001009944.3 (MANE Select); 8 bases into the intron after coding-DNA position 11269, G replaced by C.
Molecular consequence: intron variant.
Genome position (GRCh38, 1-based): chr16:2,092,472, C>G on the plus strand (G>C on the coding strand, the complement: PKD1 is on the minus strand). VCF-style: chr16-2092472-C-G. GRCh37 (hg19) VCF-style: chr16-2142473-C-G.
Other names: c.11266+8G>C (NM_000296.4).
Identifiers: ClinVar variation 3352554 (VCV003352554.1).
Genomic context (GRCh38, chr16:2,092,472, plus strand): 5'-CTCCGCTAAAGGCTGCTCTCTCAACAAGAGGAACGATTTAAGTCTTGGGGCACGCCCTGC[C>G]AGCTCACCTTCCTGCAGCCGCACCTGCCGCAGCCGTGGGGGCCCCAGCTCTGGGCTGGAC-3'